The following is an entry in ClinVar:

NM_001626.6(AKT2):c.961-2dup

Gene: AKT2 (AKT serine/threonine kinase 2; minus strand). Cytogenetic location: 19q13.2.
Variant type: Duplication.
Coding change: c.961-2dup on transcript NM_001626.6 (MANE Select); the canonical splice acceptor site of the intron before coding-DNA position 961, one base duplicated (A; older notation c.961-2dupA).
Molecular consequence: splice acceptor variant.
Genome position (GRCh38, 1-based): chr19:40,236,106, T duplicated on the plus strand (A on the coding strand, the reverse complement: AKT2 is on the minus strand). VCF-style (leftmost placement, unchanged base first): chr19-40236105-C-CT. GRCh37 (hg19) VCF-style: chr19-40742012-C-CT.
Other names: c.775-2dup (NM_001243028.3, NM_001243027.3); c.832-2dup (NM_001330511.1).
Identifiers: ClinVar variation 2148621 (VCV002148621.4), dbSNP rs989926803, ClinGen allele CA308376468.

ClinVar aggregate classification (germline): Uncertain significance (1 of 4 stars; one submission).

Conditions:
Type 2 diabetes mellitus. Also called: Type II diabetes mellitus. Identifiers: MedGen C0011860, MeSH D003924, MONDO:0005148, OMIM 125853, HP:0005978.
Hypoinsulinemic hypoglycemia and body hemihypertrophy. Also called: Hypoinsulinemic hypoglycemia and hemihypertrophy. Identifiers: Orphanet 293964, MedGen C3278384, MONDO:0009416, OMIM 240900.

Allele frequency attached by ClinVar (database versions not stated): gnomAD 0.00001; TOPMed 0.00004.

Submission:

Labcorp Genetics (formerly Invitae), Labcorp
Classification: Uncertain significance for Hypoinsulinemic hypoglycemia and body hemihypertrophy; Type 2 diabetes mellitus. Last evaluated: 2025-06-10. Review status: criteria provided, single submitter. Criteria: Invitae Variant Classification Sherloc (09022015). Collection method: clinical testing. Allele origin: germline.
Comment: This sequence change falls in intron 10 of the AKT2 gene. It does not directly change the encoded amino acid sequence of the AKT2 protein. It affects a nucleotide within the consensus splice site. This variant is not present in population databases (gnomAD no frequency). This variant has not been reported in the literature in individuals affected with AKT2-related conditions. ClinVar contains an entry for this variant (Variation ID: 2148621). Variants that disrupt the consensus splice site are a relatively common cause of aberrant splicing (PMID: 17576681, 9536098). In summary, the available evidence is currently insufficient to determine the role of this variant in disease. Therefore, it has been classified as a Variant of Uncertain Significance.

Literature cited by the submitters: PubMed 17576681; PubMed 9536098.